The following is an entry in ClinVar:

ClinVar aggregate classification (germline): Uncertain significance (1 of 4 stars; one submission).

Conditions:
Mucopolysaccharidosis, MPS-III-B (MPS3B). Also called: N-ACETYL-ALPHA-D-GLUCOSAMINIDASE DEFICIENCY; NAGLU DEFICIENCY; SANFILIPPO SYNDROME B; MPS III B; Mucopolysaccharidosis type IIIB (Sanfilippo B); MPS IIIB (Sanfilippo Syndrome Type B). Identifiers: Orphanet 79270, MedGen C0086648, MONDO:0009656, OMIM 252920.
Charcot-Marie-Tooth disease axonal type 2V. Also called: CHARCOT-MARIE-TOOTH NEUROPATHY, TYPE 2V; CHARCOT-MARIE-TOOTH DISEASE, AXONAL, AUTOSOMAL DOMINANT, TYPE 2V. Identifiers: Orphanet 447964, MedGen C5569050, MONDO:0014665, OMIM 616491.

Allele frequency attached by ClinVar (database versions not stated): gnomAD 0.00001.

Submission:

Labcorp Genetics (formerly Invitae), Labcorp
Classification: Uncertain significance for Charcot-Marie-Tooth disease axonal type 2V; Mucopolysaccharidosis, MPS-III-B. Last evaluated: 2022-10-04. Review status: criteria provided, single submitter. Criteria: Invitae Variant Classification Sherloc (09022015). Collection method: clinical testing. Allele origin: germline.
Comment: In summary, the available evidence is currently insufficient to determine the role of this variant in disease. Therefore, it has been classified as a Variant of Uncertain Significance. Advanced modeling of protein sequence and biophysical properties (such as structural, functional, and spatial information, amino acid conservation, physicochemical variation, residue mobility, and thermodynamic stability) performed at Invitae indicates that this missense variant is expected to disrupt NAGLU protein function. This variant has not been reported in the literature in individuals affected with NAGLU-related conditions. This variant is not present in population databases (gnomAD no frequency). This sequence change replaces threonine, which is neutral and polar, with methionine, which is neutral and non-polar, at codon 81 of the NAGLU protein (p.Thr81Met).

NM_000263.4(NAGLU):c.242C>T (p.Thr81Met)

Genes: NAGLU (N-acetyl-alpha-glucosaminidase; plus strand), LOC130060903 (ATAC-STARR-seq lymphoblastoid silent region 8533; plus strand). Cytogenetic location: 17q21.2.
Variant type: single nucleotide variant.
Coding change: c.242C>T on transcript NM_000263.4 (MANE Select); coding-DNA position 242, C replaced by T.
Protein change: p.Thr81Met; replaces threonine 81 with methionine.
Molecular consequence: missense variant.
Genome position (GRCh38, 1-based): chr17:42,536,514, C>T. VCF-style: chr17-42536514-C-T. GRCh37 (hg19) VCF-style: chr17-40688532-C-T.
Other names: short protein forms T81M.
Identifiers: ClinVar variation 1990513 (VCV001990513.4), dbSNP rs2092906632, ClinGen allele CA399595774.